The following is an entry in ClinVar:

NM_006907.4(PYCR1):c.197T>C (p.Leu66Pro)

Gene: PYCR1 (pyrroline-5-carboxylate reductase 1; minus strand). Cytogenetic location: 17q25.3.
Variant type: single nucleotide variant.
Coding change: c.197T>C on transcript NM_006907.4 (MANE Select); coding-DNA position 197, T replaced by C.
Protein change: p.Leu66Pro; replaces leucine 66 with proline.
Molecular consequence: missense variant.
Genome position (GRCh38, 1-based): chr17:81,935,458, A>G on the plus strand (T>C on the coding strand, the complement: PYCR1 is on the minus strand). VCF-style: chr17-81935458-A-G. GRCh37 (hg19) VCF-style: chr17-79893334-A-G.
Other names: c.197T>C, p.Leu66Pro (NM_001282279.2, NM_001282280.2, NM_001330523.2 and 1 more transcripts); c.278T>C, p.Leu93Pro (NM_001282281.2); short protein forms L66P, L93P.
Identifiers: ClinVar variation 2982385 (VCV002982385.4), dbSNP rs750677935, ClinGen allele CA8845533.

ClinVar aggregate classification (germline): Uncertain significance. Review status: criteria provided, single submitter (1 of 4 stars). 2 submissions from 2 submitters: Uncertain significance (1). 1 of the submissions does not count toward it. Last evaluated 2022-11-17.

Conditions:
Autosomal recessive cutis laxa type 2B (ARCL2B). Also called: CUTIS LAXA, AUTOSOMAL RECESSIVE, TYPE IIB; CUTIS LAXA WITH PROGEROID FEATURES. Identifiers: Orphanet 357064, MedGen C2751987, MONDO:0013051, OMIM 612940. Disease mechanism: loss of function.

Allele frequency attached by ClinVar (database versions not stated): gnomAD exomes below 0.00001; ExAC 0.00001.
gnomAD v4.1: 3 of 1,613,404 alleles (0.00019%); highest among the groups gnomAD compares: South Asian, 0.0022%; no homozygotes.

Submissions (2):

Labcorp Genetics (formerly Invitae), Labcorp
Classification: Uncertain significance. Last evaluated: 2022-11-17. Review status: criteria provided, single submitter. Criteria: Invitae Variant Classification Sherloc (09022015). Collection method: clinical testing. Allele origin: germline.
Comment: In summary, the available evidence is currently insufficient to determine the role of this variant in disease. Therefore, it has been classified as a Variant of Uncertain Significance. Advanced modeling of protein sequence and biophysical properties (such as structural, functional, and spatial information, amino acid conservation, physicochemical variation, residue mobility, and thermodynamic stability) performed at Invitae indicates that this missense variant is not expected to disrupt PYCR1 protein function. This missense change has been observed in individual(s) with cutis laxa (PMID: 31054122). This variant is present in population databases (rs750677935, gnomAD 0.007%). This sequence change replaces leucine, which is neutral and non-polar, with proline, which is neutral and non-polar, at codon 66 of the PYCR1 protein (p.Leu66Pro).

Hong-Tao Li Lab, Institute of Brain Science and Brain-inspired Research, Shandong First Medical University & Shandong Academy of Medical Sciences China
Classification: Uncertain significance for Autosomal recessive cutis laxa type 2B. Review status: no assertion criteria provided. Collection method: research. Allele origin: germline. Inheritance: Autosomal recessive inheritance. Affected: yes. Observed: 1 variant allele, 1 homozygote. Not counted in ClinVar's aggregate classification.
Comment: Observed in affected individuals from a Pakistani neurodevelopmental-disorder research cohort of 263 individuals. Classification assigned using the ACMG/AMP framework. Population-frequency evidence: gnomAD AF 8.03e-06.

Literature cited by the submitters: PubMed 31054122 (cited by Labcorp Genetics (formerly Invitae), Labcorp).